The following is an entry in ClinVar:

ClinVar aggregate classification (germline): Uncertain significance. Review status: criteria provided, multiple submitters, no conflicts (2 of 4 stars). 3 submissions from 3 submitters: Uncertain significance (3). Last evaluated 2024-05-21.

Conditions:
Inborn genetic diseases. Identifiers: MedGen C0950123, MeSH D030342.
Developmental and epileptic encephalopathy, 1 (DEE1). Also called: OHTAHARA SYNDROME, X-LINKED; Epileptic encephalopathy, early infantile, 1; X-linked infantile spasms; West's syndrome; Tonic spasms with clustering, arrest of psychomotor development and hypsarrhythmia on EEG; X-Linked Infantile Spasm Syndrome. Identifiers: MedGen C3463992, MONDO:0010632, OMIM 308350. Disease mechanism: loss of function.
Intellectual disability, X-linked, with or without seizures, ARX-related. Also called: Mental retardation, X-linked 52; INTELLECTUAL DEVELOPMENTAL DISORDER, X-LINKED 29; MENTAL RETARDATION, X-LINKED 29; MENTAL RETARDATION, X-LINKED 32; MENTAL RETARDATION, X-LINKED 33; MENTAL RETARDATION, X-LINKED 38. Identifiers: Orphanet 777, MedGen C0796244, MONDO:0010317, OMIM 300419.

Submissions (3):

Labcorp Genetics (formerly Invitae), Labcorp
Classification: Uncertain significance for Developmental and epileptic encephalopathy, 1; Intellectual disability, X-linked, with or without seizures, ARX-related. Last evaluated: 2024-05-21. Review status: criteria provided, single submitter. Criteria: Invitae Variant Classification Sherloc (09022015). Collection method: clinical testing. Allele origin: germline.
Comment: This variant, c.1312_1320dup, results in the insertion of 3 amino acid(s) of the ARX protein (p.Ala438_Ala440dup), but otherwise preserves the integrity of the reading frame. This variant is present in population databases (no rsID available, gnomAD 0.04%). This variant has not been reported in the literature in individuals affected with ARX-related conditions. Experimental studies and prediction algorithms are not available or were not evaluated, and the functional significance of this variant is currently unknown. In summary, the available evidence is currently insufficient to determine the role of this variant in disease. Therefore, it has been classified as a Variant of Uncertain Significance.

Women's Health and Genetics/Laboratory Corporation of America, LabCorp
Classification: Uncertain significance. Last evaluated: 2023-12-27. Review status: criteria provided, single submitter. Criteria: LabCorp Variant Classification Summary - May 2015. Collection method: clinical testing. Allele origin: germline.
Comment: Variant summary: ARX c.1312_1320dupGCCGCCGCC (p.Ala438_Ala440dup) results in an in-frame duplication that is predicted to duplicate 3 amino acids into the encoded protein. The variant allele was found at a frequency of 9.8e-06 in 1126826 control chromosomes (gnomAD v4.0). To our knowledge, no occurrence of c.1312_1320dupGCCGCCGCC in individuals affected with AXR-Related Disorder and no experimental evidence demonstrating its impact on protein function have been reported. Two submitters have cited clinical-significance assessments for this variant to ClinVar after 2014. Both submitters classified the variant as uncertain significance. Based on the evidence outlined above, the variant was classified as uncertain significance.

Ambry Genetics
Classification: Uncertain significance for Inborn genetic diseases. Last evaluated: 2018-01-19. Review status: criteria provided, single submitter. Criteria: Ambry Variant Classification Scheme 2023. Collection method: clinical testing. Allele origin: germline.
Comment: The c.1312_1320dupGCCGCCGCC variant (also known as p.A438_A440dup), located in coding exon 4 of the ARX gene, results from an in-frame duplication of GCCGCCGCC at nucleotide positions 1312 to 1320. This results in the duplication of 3 extra residues (AAA) between codons 438 and 440. These amino acid positions are well conserved in available vertebrate species. Since supporting evidence is limited at this time, the clinical significance of this variant remains unclear.

NM_139058.3(ARX):c.1300GCC[10] (p.Ala438_Ala440dup)

Gene: ARX (aristaless related homeobox; minus strand). Cytogenetic location: Xp21.3.
Variant type: Microsatellite.
Coding change: c.1300GCC[10] on transcript NM_139058.3 (MANE Select); ten copies in a row of the 3-base unit GCC starting at c.1300; the reference has seven copies in a row; three copies, 9 bases duplicated.
Protein change: p.Ala438_Ala440dup.
Molecular consequence: inframe insertion.
Genome position (GRCh38, 1-based): chrX:25,007,239-25,007,247, GGCGGCGGC duplicated on the plus strand (GCCGCCGCC on the coding strand, the reverse complement: ARX is on the minus strand); duplicating any 9 consecutive bases within chrX:25,007,239-25,007,259 gives the same sequence; the position shown is the placement nearest the transcript's 3' end. VCF-style (leftmost placement, unchanged base first): chrX-25007238-A-AGGCGGCGGC. GRCh37 (hg19) VCF-style: chrX-25025355-A-AGGCGGCGGC.
Other names: c.1312_1320dupGCCGCCGCC (NM_139058.3).
Identifiers: ClinVar variation 589872 (VCV000589872.13), dbSNP rs398124508, ClinGen allele CA641364595.